The following is an entry in ClinVar:

NM_001366385.1(CARD14):c.2392dup (p.Met798fs)

Genes: SGSH (N-sulfoglucosamine sulfohydrolase; minus strand), CARD14 (caspase recruitment domain family member 14; plus strand). Cytogenetic location: 17q25.3.
Variant type: Duplication.
Coding change: c.2392dup on transcript NM_001366385.1 (MANE Select); coding-DNA position 2392, one base duplicated (A; older notation c.2392dupA).
Protein change: p.Met798fs; shifts the reading frame from methionine 798.
Molecular consequence: frameshift variant. On other transcripts: non-coding transcript variant (1).
Genome position (GRCh38, 1-based): chr17:80,204,335, A duplicated. VCF-style (leftmost placement, unchanged base first): chr17-80204334-G-GA. GRCh37 (hg19) VCF-style: chr17-78178133-G-GA.
Other names: c.2392dup, p.Met798fs (NM_024110.4); short protein forms M798fs.
Identifiers: ClinVar variation 1056307 (VCV001056307.7), dbSNP rs2144527157, ClinGen allele CA2499225026.
Genomic context (GRCh38, chr17:80,204,334, plus strand): 5'-CAAAGCCAAGGCCAGCCCTCTGCGTTTGTCCTTTGACAGGGGCCAGTTGGACCCCAGCAG[G>GA]ATGGAGGGTGAGGCCTGGTGAGCTGGCACAGGGGCCACTGGCTCCAAGTGGGTGAGGGGC-3'

ClinVar aggregate classification (germline): Uncertain significance (1 of 4 stars; one submission).

Conditions:
Pityriasis rubra pilaris (PRP). Also called: Pityriasis rubra pilaris--familial type. Identifiers: Orphanet 2897, MedGen C0032027, MONDO:0100017, OMIM 173200, MONDO:0008251.
Psoriasis 2. Identifiers: MedGen C1864497, MONDO:0011269, OMIM 602723.

Submission:

Labcorp Genetics (formerly Invitae), Labcorp
Classification: Uncertain significance for Pityriasis rubra pilaris; Psoriasis 2. Last evaluated: 2023-10-09. Review status: criteria provided, single submitter. Criteria: Invitae Variant Classification Sherloc (09022015). Collection method: clinical testing. Allele origin: germline.
Comment: This sequence change creates a premature translational stop signal (p.Met798Asnfs*55) in the CARD14 gene. It is expected to result in an absent or disrupted protein product. However, the current clinical and genetic evidence is not sufficient to establish whether loss-of-function variants in CARD14 cause disease. This variant is not present in population databases (gnomAD no frequency). This variant has not been reported in the literature in individuals affected with CARD14-related conditions. ClinVar contains an entry for this variant (Variation ID: 1056307). In summary, the available evidence is currently insufficient to determine the role of this variant in disease. Therefore, it has been classified as a Variant of Uncertain Significance.